The following is an entry in ClinVar:

NM_001372.4(DNAH9):c.4478AGG[1] (p.Glu1494del)

Gene: DNAH9 (dynein axonemal heavy chain 9; plus strand). Cytogenetic location: 17p12.
Variant type: Microsatellite.
Coding change: c.4478AGG[1] on transcript NM_001372.4 (MANE Select); one copy of the 3-base unit AGG starting at c.4478; the reference has two copies in a row; one copy, 3 bases deleted.
Protein change: p.Glu1494del; deletes glutamic acid 1494.
Molecular consequence: inframe deletion.
Genome position (GRCh38, 1-based): chr17:11,690,303-11,690,305, AGG deleted; deleting any 3 consecutive bases within chr17:11,690,298-11,690,305 gives the same sequence; the position shown is the placement nearest the transcript's 3' end. VCF-style (leftmost placement, unchanged base first): chr17-11690297-TGGA-T. GRCh37 (hg19) VCF-style: chr17-11593614-TGGA-T.
Other names: short protein forms E1494del.
Identifiers: ClinVar variation 2187158 (VCV002187158.2), dbSNP rs779977790, ClinGen allele CA8395676.

ClinVar aggregate classification (germline): Uncertain significance (1 of 4 stars; one submission).

Submission:

Labcorp Genetics (formerly Invitae), Labcorp
Classification: Uncertain significance. Last evaluated: 2022-06-28. Review status: criteria provided, single submitter. Criteria: Invitae Variant Classification Sherloc (09022015). Collection method: clinical testing. Allele origin: germline.
Comment: In summary, the available evidence is currently insufficient to determine the role of this variant in disease. Therefore, it has been classified as a Variant of Uncertain Significance. Experimental studies and prediction algorithms are not available or were not evaluated, and the functional significance of this variant is currently unknown. This variant has not been reported in the literature in individuals affected with DNAH9-related conditions. This variant is present in population databases (rs779977790, gnomAD 0.09%). This variant, c.4481_4483del, results in the deletion of 1 amino acid(s) of the DNAH9 protein (p.Glu1494del), but otherwise preserves the integrity of the reading frame.